The following is an entry in ClinVar:

ClinVar aggregate classification (germline): Uncertain significance. Review status: criteria provided, multiple submitters, no conflicts (2 of 4 stars). 2 submissions from 2 submitters: Uncertain significance (2). Last evaluated 2025-09-16.

Conditions:
Hypertrophic cardiomyopathy 11. Also called: ACTC1-Related Familial Hypertrophic Cardiomyopathy. Identifiers: MedGen C2677506, MONDO:0012799, OMIM 612098.
Dilated cardiomyopathy 1R (CMD1R). Identifiers: Orphanet 154, Orphanet 54260, MedGen C3150681, MONDO:0013261, OMIM 613424.
Atrial septal defect 5 (ASD5). Identifiers: Orphanet 1478, MedGen C2748552, MONDO:0013011, OMIM 612794.
Cardiovascular phenotype. Identifiers: MedGen CN230736.

Allele frequency attached by ClinVar (database versions not stated): TOPMed 0.00001.

Submissions (2):

Labcorp Genetics (formerly Invitae), Labcorp
Classification: Uncertain significance for Dilated cardiomyopathy 1R; Hypertrophic cardiomyopathy 11; Atrial septal defect 5. Last evaluated: 2025-09-16. Review status: criteria provided, single submitter. Criteria: Invitae Variant Classification Sherloc (09022015). Collection method: clinical testing. Allele origin: germline.
Comment: This sequence change replaces arginine, which is basic and polar, with cysteine, which is neutral and slightly polar, at codon 374 of the ACTC1 protein (p.Arg374Cys). This variant is not present in population databases (gnomAD no frequency). This variant has not been reported in the literature in individuals affected with ACTC1-related conditions. ClinVar contains an entry for this variant (Variation ID: 2486608). Invitae Evidence Modeling of protein sequence and biophysical properties (such as structural, functional, and spatial information, amino acid conservation, physicochemical variation, residue mobility, and thermodynamic stability) has been performed for this missense variant. However, the output from this modeling did not meet the statistical confidence thresholds required to predict the impact of this variant on ACTC1 protein function. In summary, the available evidence is currently insufficient to determine the role of this variant in disease. Therefore, it has been classified as a Variant of Uncertain Significance.

Ambry Genetics
Classification: Uncertain significance for Cardiovascular phenotype. Last evaluated: 2023-02-08. Review status: criteria provided, single submitter. Criteria: Ambry Variant Classification Scheme 2023. Collection method: clinical testing. Allele origin: germline.
Comment: The p.R374C variant (also known as c.1120C>T), located in coding exon 6 of the ACTC1 gene, results from a C to T substitution at nucleotide position 1120. The arginine at codon 374 is replaced by cysteine, an amino acid with highly dissimilar properties. This amino acid position is conserved. In addition, this alteration is predicted to be deleterious by in silico analysis. Since supporting evidence is limited at this time, the clinical significance of this alteration remains unclear.

NM_005159.5(ACTC1):c.1120C>T (p.Arg374Cys)

Genes: ACTC1 (actin alpha cardiac muscle 1; minus strand), GJD2-DT (GJD2 divergent transcript; plus strand). Cytogenetic location: 15q14.
Variant type: single nucleotide variant.
Coding change: c.1120C>T on transcript NM_005159.5 (MANE Select); coding-DNA position 1120, C replaced by T.
Protein change: p.Arg374Cys; replaces arginine 374 with cysteine.
Molecular consequence: missense variant.
Genome position (GRCh38, 1-based): chr15:34,790,426, G>A on the plus strand (C>T on the coding strand, the complement: ACTC1 is on the minus strand). VCF-style: chr15-34790426-G-A. GRCh37 (hg19) VCF-style: chr15-35082627-G-A.
Other names: c.1120C>T, p.Arg374Cys (NM_001406482.1, NM_001406483.1); c.985C>T, p.Arg329Cys (NM_001406484.1); c.679C>T, p.Arg227Cys (NM_001406485.1); short protein forms R329C, R374C, R227C.
Identifiers: ClinVar variation 2486608 (VCV002486608.4), dbSNP rs1891680145, ClinGen allele CA391628512.